The following is an entry in ClinVar:

NM_000250.2(MPO):c.110T>C (p.Leu37Pro)

Genes: MPO (myeloperoxidase; minus strand), LOC106694315 (MPO proximal enhancer and promoter region; plus strand). Cytogenetic location: 17q22.
Variant type: single nucleotide variant.
Coding change: c.110T>C on transcript NM_000250.2 (MANE Select); coding-DNA position 110, T replaced by C.
Protein change: p.Leu37Pro; replaces leucine 37 with proline.
Molecular consequence: missense variant.
Genome position (GRCh38, 1-based): chr17:58,280,649, A>G on the plus strand (T>C on the coding strand, the complement: MPO is on the minus strand). VCF-style: chr17-58280649-A-G. GRCh37 (hg19) VCF-style: chr17-56358010-A-G.
Other names: c.110T>C (LRG_84t1); short protein forms L37P.
Identifiers: ClinVar variation 453114 (VCV000453114.2), dbSNP rs1555608302, ClinGen allele CA400377447.
Genomic context (GRCh38, chr17:58,280,649, plus strand): 5'-CCTTGGGAACTGTTACCTGGAGCAGCACCTTCAGAGGGCTGGGGCGTGGCCAGAATGGCC[A>G]GGAGCCCTGCTAGGGCCAGAAGCAGCTTCATCTCTGCAGTGAGACCCCCAGCCCAGCAAG-3'
Protein context (NP_000241.1, residues 27-47): MKLLLALAGL[Leu37Pro]AILATPQPSE

ClinVar aggregate classification (germline): Uncertain significance (1 of 4 stars; one submission).

Submission:

GeneDx
Classification: Uncertain significance. Last evaluated: 2017-10-27. Review status: criteria provided, single submitter. Criteria: GeneDx Variant Classification (06012015). Collection method: clinical testing. Allele origin: germline. Affected: yes.
Comment: The L37P variant in the MPO gene has not been reported previously as a pathogenic variant, nor as a benign variant, to our knowledge. The L37P variant is not observed in large population cohorts (Lek et al., 2016). The L37P variant is a semi-conservative amino acid substitution, which may impact secondary protein structure as these residues differ in some properties. This substitution occurs at a position that is conserved in mammals. In silico analysis predicts this variant is probably damaging to the protein structure/function. We interpret L37P as a variant of uncertain significance.